The following is an entry in ClinVar:

NM_001267550.2(TTN):c.86650A>G (p.Lys28884Glu)

Genes: TTN (titin; minus strand), TTN-AS1 (TTN antisense RNA 1; plus strand). Cytogenetic location: 2q31.2.
Variant type: single nucleotide variant.
Coding change: c.86650A>G on transcript NM_001267550.2 (MANE Select); coding-DNA position 86650, A replaced by G.
Protein change: p.Lys28884Glu; replaces lysine 28884 with glutamic acid.
Molecular consequence: missense variant.
Genome position (GRCh38, 1-based): chr2:178,559,482, T>C on the plus strand (A>G on the coding strand, the complement: TTN is on the minus strand). VCF-style: chr2-178559482-T-C. GRCh37 (hg19) VCF-style: chr2-179424209-T-C.
Other names: c.81727A>G, p.Lys27243Glu (NM_001256850.1); c.59455A>G, p.Lys19819Glu (NM_003319.4); c.78946A>G, p.Lys26316Glu (NM_133378.4); c.59830A>G, p.Lys19944Glu (NM_133432.3); c.60031A>G, p.Lys20011Glu (NM_133437.4); short protein forms K19819E, K19944E, K20011E, K26316E, K27243E, K28884E.
Identifiers: ClinVar variation 3907374 (VCV003907374.1).

ClinVar aggregate classification (germline): Uncertain significance (1 of 4 stars; one submission).

gnomAD v4.1: 3 of 1,613,592 alleles (0.00019%); highest among the groups gnomAD compares: South Asian, 0.0011%; no homozygotes.

Submission:

Women's Health and Genetics/Laboratory Corporation of America, LabCorp
Classification: Uncertain significance. Last evaluated: 2025-06-05. Review status: criteria provided, single submitter. Criteria: LabCorp Variant Classification Summary - May 2015. Collection method: clinical testing. Allele origin: germline.
Comment: Variant summary: TTN c.78946A>G (p.Lys26316Glu) results in a conservative amino acid change in the encoded protein sequence. Algorithms developed to predict the effect of missense changes on protein structure and function are either unavailable or do not agree on the potential impact of this missense change. The variant allele was found at a frequency of 4e-06 in 248892 control chromosomes. The available data on variant occurrences in the general population are insufficient to allow any conclusion about variant significance. To our knowledge, no occurrence of c.78946A>G in individuals affected with Autosomal Recessive Titinopathy and no experimental evidence demonstrating its impact on protein function have been reported. No submitters have cited clinical-significance assessments for this variant to ClinVar. Based on the evidence outlined above, the variant was classified as uncertain significance.